The following is an entry in ClinVar:

ClinVar aggregate classification (germline): Uncertain significance (1 of 4 stars; one submission).

Submission:

Labcorp Genetics (formerly Invitae), Labcorp
Classification: Uncertain significance. Last evaluated: 2025-07-02. Review status: criteria provided, single submitter. Criteria: Invitae Variant Classification Sherloc (09022015). Collection method: clinical testing. Allele origin: germline.
Comment: This sequence change falls in intron 3 of the NTHL1 gene. It does not directly change the encoded amino acid sequence of the NTHL1 protein. It affects a nucleotide within the consensus splice site. This variant is not present in population databases (gnomAD no frequency). This variant has not been reported in the literature in individuals affected with NTHL1-related conditions. Variants that disrupt the consensus splice site are a relatively common cause of aberrant splicing (PMID: 17576681, 9536098). Algorithms developed to predict the effect of sequence changes on RNA splicing suggest that this variant is not likely to affect RNA splicing. In summary, the available evidence is currently insufficient to determine the role of this variant in disease. Therefore, it has been classified as a Variant of Uncertain Significance.

Literature cited by the submitters: PubMed 17576681; PubMed 9536098.

NM_002528.7(NTHL1):c.525+6C>A

Gene: NTHL1 (nth like DNA glycosylase 1; minus strand). Cytogenetic location: 16p13.3.
Variant type: single nucleotide variant.
Coding change: c.525+6C>A on transcript NM_002528.7 (MANE Select); 6 bases into the intron after coding-DNA position 525, C replaced by A.
Molecular consequence: intron variant.
Genome position (GRCh38, 1-based): chr16:2,044,624, G>T on the plus strand (C>A on the coding strand, the complement: NTHL1 is on the minus strand). VCF-style: chr16-2044624-G-T. GRCh37 (hg19) VCF-style: chr16-2094625-G-T.
Other names: c.195+6C>A (NM_001318194.2); c.355-898C>A (NM_001318193.2).
Identifiers: ClinVar variation 4722465 (VCV004722465.1).